The following is an entry in ClinVar:

NM_006206.6(PDGFRA):c.465C>T (p.Pro155=)

Gene: PDGFRA (platelet derived growth factor receptor alpha; plus strand). Cytogenetic location: 4q12.
Variant type: single nucleotide variant.
Coding change: c.465C>T on transcript NM_006206.6 (MANE Select); coding-DNA position 465, C replaced by T.
Protein change: p.Pro155=; no amino-acid change (proline 155 retained).
Molecular consequence: synonymous variant.
Genome position (GRCh38, 1-based): chr4:54,263,764, C>T. VCF-style: chr4-54263764-C-T. GRCh37 (hg19) VCF-style: chr4-55129931-C-T.
Other names: c.465C>T, p.Pro155= (NM_001347827.2, NM_001347829.2); c.540C>T, p.Pro180= (NM_001347828.2); c.504C>T, p.Pro168= (NM_001347830.2).
Identifiers: ClinVar variation 414518 (VCV000414518.17), dbSNP rs376832294, ClinGen allele CA2922297.
Genomic context (GRCh38, chr4:54,263,764, plus strand): 5'-TTATTTAGTCATCGTGGAGGATGATGATTCTGCCATTATACCTTGTCGCACAACTGATCC[C>T]GAGACTCCTGTAACCTTACACAACAGTGAGGGGGTGGTACCTGCCTCCTACGACAGCAGA-3'
Protein context (NP_006197.1, residues 145-165): SAIIPCRTTD[Pro155=]ETPVTLHNSE

ClinVar aggregate classification (germline): Benign/Likely benign. Review status: criteria provided, multiple submitters, no conflicts (2 of 4 stars). 3 submissions from 3 submitters: Benign (1); Likely benign (2). Last evaluated 2026-06-16.

Conditions:
Hereditary cancer-predisposing syndrome. Also called: Neoplastic Syndromes, Hereditary; Hereditary Cancer Syndrome; Hereditary neoplastic syndrome; Tumor predisposition. Identifiers: Orphanet 140162, MedGen C0027672, MeSH D009386, MONDO:0015356.
Polyps, multiple and recurrent inflammatory fibroid, gastrointestinal. Identifiers: MedGen C5193005, MONDO:0008285, OMIM 175510.
Gastrointestinal stromal tumor. Also called: Gastrointestinal stroma tumor; Gastrointestinal stromal tumor, somatic. Identifiers: Orphanet 44890, MedGen C0238198, MeSH D046152, MONDO:0011719, OMIM 606764, HP:0100723.

Allele frequency attached by ClinVar (database versions not stated): TOPMed 0.00002; gnomAD 0.00004; ESP Exome Variant Server 0.00008.
gnomAD v4.1: 30 of 1,614,048 alleles (0.0019%); highest among the groups gnomAD compares: East Asian, 0.027%; no homozygotes.

Submissions (3):

Myriad Genetics, Inc.
Classification: Benign for Polyps, multiple and recurrent inflammatory fibroid, gastrointestinal. Last evaluated: 2026-06-16. Review status: criteria provided, single submitter. Criteria: Myriad Autosomal Dominant, Autosomal Recessive and X-Linked Classification Criteria (2023). Collection method: clinical testing. Allele origin: unknown.
Comment: This variant is considered benign. This variant is a silent/synonymous amino acid change and it is not expected to impact splicing.

Labcorp Genetics (formerly Invitae), Labcorp
Classification: Likely benign for Gastrointestinal stromal tumor. Last evaluated: 2026-01-07. Review status: criteria provided, single submitter. Criteria: Invitae Variant Classification Sherloc (09022015). Collection method: clinical testing. Allele origin: germline.

Ambry Genetics
Classification: Likely benign for Hereditary cancer-predisposing syndrome. Last evaluated: 2019-05-20. Review status: criteria provided, single submitter. Criteria: Ambry Variant Classification Scheme 2023. Collection method: clinical testing. Allele origin: germline.